The following is an entry in ClinVar:

ClinVar aggregate classification (germline): Uncertain significance (1 of 4 stars; one submission).

Submission:

Labcorp Genetics (formerly Invitae), Labcorp
Classification: Uncertain significance. Last evaluated: 2023-02-26. Review status: criteria provided, single submitter. Criteria: Invitae Variant Classification Sherloc (09022015). Collection method: clinical testing. Allele origin: germline.
Comment: In summary, the available evidence is currently insufficient to determine the role of this variant in disease. Therefore, it has been classified as a Variant of Uncertain Significance. Advanced modeling of protein sequence and biophysical properties (such as structural, functional, and spatial information, amino acid conservation, physicochemical variation, residue mobility, and thermodynamic stability) performed at Invitae indicates that this missense variant is expected to disrupt KCNH1 protein function. This variant has not been reported in the literature in individuals affected with KCNH1-related conditions. This variant is not present in population databases (gnomAD no frequency). This sequence change replaces tyrosine, which is neutral and polar, with histidine, which is basic and polar, at codon 455 of the KCNH1 protein (p.Tyr455His).

NM_172362.3(KCNH1):c.1363T>C (p.Tyr455His)

Gene: KCNH1 (potassium voltage-gated channel subfamily H member 1; minus strand). Cytogenetic location: 1q32.2.
Variant type: single nucleotide variant.
Coding change: c.1363T>C on transcript NM_172362.3 (MANE Select); coding-DNA position 1363, T replaced by C.
Protein change: p.Tyr455His; replaces tyrosine 455 with histidine.
Molecular consequence: missense variant.
Genome position (GRCh38, 1-based): chr1:210,919,739, A>G on the plus strand (T>C on the coding strand, the complement: KCNH1 is on the minus strand). VCF-style: chr1-210919739-A-G. GRCh37 (hg19) VCF-style: chr1-211093081-A-G.
Other names: c.1282T>C, p.Tyr428His (NM_002238.4); short protein forms Y455H, Y428H.
Identifiers: ClinVar variation 2819484 (VCV002819484.3), dbSNP rs2527119974, ClinGen allele CA344873137.